The following is an entry in ClinVar:

ClinVar aggregate classification (germline): Uncertain significance (1 of 4 stars; one submission).

gnomAD v4.1: 1 of 1,611,258 alleles (0.000062%); highest among the groups gnomAD compares: African/African-American, 0.0013%; no homozygotes.

Submission:

Women's Health and Genetics/Laboratory Corporation of America, LabCorp
Classification: Uncertain significance. Last evaluated: 2025-03-03. Review status: criteria provided, single submitter. Criteria: LabCorp Variant Classification Summary - May 2015. Collection method: clinical testing. Allele origin: germline.
Comment: Variant summary: COL12A1 c.5525-8C>T alters a nucleotide located close to a canonical splice site and therefore could affect mRNA splicing, leading to a significantly altered protein sequence. Consensus agreement among computation tools predict no significant impact on normal splicing. However, these predictions have yet to be confirmed by functional studies. The variant was absent in 242578 control chromosomes (gnomAD). The available data on variant occurrences in the general population are insufficient to allow any conclusion about variant significance. To our knowledge, no occurrence of c.5525-8C>T in individuals affected with Ullrich congenital muscular dystrophy 2 and no experimental evidence demonstrating its impact on protein function have been reported. No submitters have cited clinical-significance assessments for this variant to ClinVar. Based on the evidence outlined above, the variant was classified as uncertain significance.

NM_004370.6(COL12A1):c.5525-8C>T

Gene: COL12A1 (collagen type XII alpha 1 chain; minus strand). Cytogenetic location: 6q13.
Variant type: single nucleotide variant.
Coding change: c.5525-8C>T on transcript NM_004370.6 (MANE Select); 8 bases into the intron before coding-DNA position 5525, C replaced by T.
Molecular consequence: intron variant.
Genome position (GRCh38, 1-based): chr6:75,134,005, G>A on the plus strand (C>T on the coding strand, the complement: COL12A1 is on the minus strand). VCF-style: chr6-75134005-G-A. GRCh37 (hg19) VCF-style: chr6-75843721-G-A.
Other names: c.2033-8C>T (NM_001424116.1, NM_080645.3); c.5252-8C>T (NM_001424115.1); c.5504-8C>T (NM_001424114.1); c.5525-8C>T (NM_001424113.1).
Identifiers: ClinVar variation 3895849 (VCV003895849.1).
Genomic context (GRCh38, chr6:75,134,005, plus strand): 5'-GGTGCTGGTAGAAGGGTCATACACTCTCAGGTTCCTTACAGTGTTTAGAGGTTCTGAAAT[G>A]CACAGAAATCCCATCACAGTATAATGCTAACAATCAAGCACACATGAAACACAGATTCAC-3'